The following is an entry in ClinVar:

ClinVar aggregate classification (germline): Conflicting classifications of pathogenicity. Review status: criteria provided, conflicting classifications (1 of 4 stars). 3 submissions from 3 submitters: Uncertain significance (2); Likely benign (1). Last evaluated 2024-12-23.

Conditions:
Congenital myasthenic syndrome 10. Also called: Myasthenia, limb-girdle, familial. Identifiers: Orphanet 590, MedGen C1850792, MONDO:0009690, OMIM 254300.
Fetal akinesia deformation sequence 1 (FADS1). Also called: Pena-Shokeir syndrome type I; Fetal akinesia sequence. Identifiers: Orphanet 994, MedGen C1276035, MONDO:0100101, OMIM 208150, HP:0001989.
Inborn genetic diseases. Identifiers: MedGen C0950123, MeSH D030342.

Allele frequency attached by ClinVar (database versions not stated): gnomAD exomes 0.00002; TOPMed 0.00006; gnomAD 0.00009.

Submissions (3):

Revvity Omics, Revvity
Classification: Uncertain significance. Last evaluated: 2024-12-23. Review status: criteria provided, single submitter. Criteria: ACMG Guidelines, 2015. Collection method: clinical testing. Allele origin: germline.

Labcorp Genetics (formerly Invitae), Labcorp
Classification: Uncertain significance for Congenital myasthenic syndrome 10; Fetal akinesia deformation sequence 1. Last evaluated: 2024-09-05. Review status: criteria provided, single submitter. Criteria: Invitae Variant Classification Sherloc (09022015). Collection method: clinical testing. Allele origin: germline.
Comment: This sequence change replaces asparagine, which is neutral and polar, with lysine, which is basic and polar, at codon 501 of the DOK7 protein (p.Asn501Lys). This variant is present in population databases (rs750262940, gnomAD 0.02%). This variant has not been reported in the literature in individuals affected with DOK7-related conditions. ClinVar contains an entry for this variant (Variation ID: 1046654). An algorithm developed to predict the effect of missense changes on protein structure and function outputs the following: PolyPhen-2: "Benign". The lysine amino acid residue is found in multiple mammalian species, which suggests that this missense change does not adversely affect protein function. In summary, the available evidence is currently insufficient to determine the role of this variant in disease. Therefore, it has been classified as a Variant of Uncertain Significance.

Ambry Genetics
Classification: Likely benign for Inborn genetic diseases. Last evaluated: 2023-03-02. Review status: criteria provided, single submitter. Criteria: Ambry Variant Classification Scheme 2023. Collection method: clinical testing. Allele origin: germline.

NM_173660.5(DOK7):c.1503C>A (p.Asn501Lys)

Gene: DOK7 (docking protein 7; plus strand). Cytogenetic location: 4p16.3.
Variant type: single nucleotide variant.
Coding change: c.1503C>A on transcript NM_173660.5 (MANE Select); coding-DNA position 1503, C replaced by A.
Protein change: p.Asn501Lys; replaces asparagine 501 with lysine.
Molecular consequence: missense variant. On other transcripts: 3 prime UTR variant (1), intron variant (2).
Genome position (GRCh38, 1-based): chr4:3,493,489, C>A. VCF-style: chr4-3493489-C-A. GRCh37 (hg19) VCF-style: chr4-3495216-C-A.
Other names: c.*724C>A (NM_001164673.2); c.573C>A, p.Asn191Lys (NM_001256896.2); c.1497+6C>A (NM_001301071.2); c.1065+6C>A (NM_001363811.2); c.1503C>A (NM_173660.4); short protein forms N501K, N191K.
Identifiers: ClinVar variation 1046654 (VCV001046654.11), dbSNP rs750262940, ClinGen allele CA2829553.